The following is an entry in ClinVar:

ClinVar aggregate classification (germline): Likely pathogenic (1 of 4 stars; one submission).

Conditions:
Mucopolysaccharidosis type 1. Also called: IDUA deficiency; MPS I; Mucopolysaccharidosis Type I. Identifiers: Orphanet 579, MedGen C0023786, MONDO:0001586.

Submission:

Labcorp Genetics (formerly Invitae), Labcorp
Classification: Likely pathogenic for Mucopolysaccharidosis type 1. Last evaluated: 2025-03-23. Review status: criteria provided, single submitter. Criteria: Invitae Variant Classification Sherloc (09022015). Collection method: clinical testing. Allele origin: germline.
Comment: This sequence change replaces arginine, which is basic and polar, with proline, which is neutral and non-polar, at codon 89 of the IDUA protein (p.Arg89Pro). This variant is not present in population databases (gnomAD no frequency). This variant has not been reported in the literature in individuals affected with IDUA-related conditions. Invitae Evidence Modeling of protein sequence and biophysical properties (such as structural, functional, and spatial information, amino acid conservation, physicochemical variation, residue mobility, and thermodynamic stability) indicates that this missense variant is expected to disrupt IDUA protein function with a positive predictive value of 95%. This variant disrupts the p.Arg89 amino acid residue in IDUA. Other variant(s) that disrupt this residue have been determined to be pathogenic (PMID: 8680403, 21462124, 29282708). This suggests that this residue is clinically significant, and that variants that disrupt this residue are likely to be disease-causing. In summary, the currently available evidence indicates that the variant is pathogenic, but additional data are needed to prove that conclusively. Therefore, this variant has been classified as Likely Pathogenic.

Literature cited by the submitters: PubMed 8680403; PubMed 21462124; PubMed 29282708.

NM_000203.5(IDUA):c.266G>C (p.Arg89Pro)

Genes: IDUA (alpha-L-iduronidase; plus strand), SLC26A1 (solute carrier family 26 member 1; minus strand). Cytogenetic location: 4p16.3.
Variant type: single nucleotide variant.
Coding change: c.266G>C on transcript NM_000203.5 (MANE Select); coding-DNA position 266, G replaced by C.
Protein change: p.Arg89Pro; replaces arginine 89 with proline.
Molecular consequence: missense variant. On other transcripts: 3 prime UTR variant (2), non-coding transcript variant (1), intron variant (1).
Genome position (GRCh38, 1-based): chr4:987,916, G>C. VCF-style: chr4-987916-G-C. GRCh37 (hg19) VCF-style: chr4-981704-G-C.
Other names: c.*917C>G (NM_022042.4, NM_213613.4); c.576+3212C>G (NM_134425.4); short protein forms R89P.
Identifiers: ClinVar variation 4697985 (VCV004697985.1).